The following is an entry in ClinVar:

NM_000095.3(COMP):c.848C>G (p.Pro283Arg)

Gene: COMP (cartilage oligomeric matrix protein; minus strand). Cytogenetic location: 19p13.11.
Variant type: single nucleotide variant.
Coding change: c.848C>G on transcript NM_000095.3 (MANE Select); coding-DNA position 848, C replaced by G.
Protein change: p.Pro283Arg; replaces proline 283 with arginine.
Molecular consequence: missense variant.
Genome position (GRCh38, 1-based): chr19:18,788,429, G>C on the plus strand (C>G on the coding strand, the complement: COMP is on the minus strand). VCF-style: chr19-18788429-G-C. GRCh37 (hg19) VCF-style: chr19-18899238-G-C.
Other names: short protein forms P283R.
Identifiers: ClinVar variation 2802245 (VCV002802245.3), dbSNP rs761281037, ClinGen allele CA9316621.
Genomic context (GRCh38, chr19:18,788,429, plus strand): 5'-CTCCCTCCTGCCCAAGCCCGCCCCGCTCCGCCCCCACCCACCTTACGGCACTGGCGCTCC[G>C]GGCAGCGCAGCTTCTCGTCCGGGAAGCCGTCTAGGTCAGTGTCGCGACCACAGAGGATCC-3'
Protein context (NP_000086.2, residues 273-293): DGFPDEKLRC[Pro283Arg]ERQCRKDNCV

ClinVar aggregate classification (germline): Uncertain significance (1 of 4 stars; one submission).

Allele frequency attached by ClinVar (database versions not stated): ExAC 0.00001.
gnomAD v4.1: 6 of 1,288,314 alleles (0.00047%); highest among the groups gnomAD compares: East Asian, 0.0098%; no homozygotes.

Submission:

Labcorp Genetics (formerly Invitae), Labcorp
Classification: Uncertain significance. Last evaluated: 2023-08-11. Review status: criteria provided, single submitter. Criteria: Invitae Variant Classification Sherloc (09022015). Collection method: clinical testing. Allele origin: germline.
Comment: Advanced modeling of protein sequence and biophysical properties (such as structural, functional, and spatial information, amino acid conservation, physicochemical variation, residue mobility, and thermodynamic stability) performed at Invitae indicates that this missense variant is not expected to disrupt COMP protein function. This sequence change replaces proline, which is neutral and non-polar, with arginine, which is basic and polar, at codon 283 of the COMP protein (p.Pro283Arg). This variant is present in population databases (rs761281037, gnomAD 0.007%). This variant has not been reported in the literature in individuals affected with COMP-related conditions. In summary, the available evidence is currently insufficient to determine the role of this variant in disease. Therefore, it has been classified as a Variant of Uncertain Significance.